The following is an entry in ClinVar:

ClinVar aggregate classification (germline): Likely pathogenic (1 of 4 stars; one submission).

Conditions:
HNF1B-related disorder. Also called: HNF1B-related condition; HNF1B-related disorders.

Submission:

PreventionGenetics, part of Exact Sciences
Classification: Likely pathogenic for HNF1B-related condition. Last evaluated: 2024-11-30. Review status: criteria provided, single submitter. Criteria: ACMG Guidelines, 2015. Collection method: clinical testing. Allele origin: germline.
Comment: The HNF1B c.637_638delAG variant is predicted to result in a frameshift and premature protein termination (p.Ser213Profs*8). To our knowledge, this variant has not been reported in the literature or in a large population database (gnomAD), indicating this variant is rare. Frameshift variants in HNF1B are expected to be pathogenic. This variant is interpreted as likely pathogenic.

NM_000458.4(HNF1B):c.637_638del (p.Ser213fs)

Genes: HNF1B (HNF1 homeobox B; minus strand), LOC126862549 (BRD4-independent group 4 enhancer GRCh37_chr17:36093401-36094600; plus strand). Cytogenetic location: 17q12.
Variant type: Microsatellite.
Coding change: c.637_638del on transcript NM_000458.4 (MANE Select); coding-DNA positions 637 to 638, 2 bases deleted (AG; older notation c.637_638delAG).
Protein change: p.Ser213fs; shifts the reading frame from serine 213.
Molecular consequence: frameshift variant.
Genome position (GRCh38, 1-based): chr17:37,733,728-37,733,729, CT deleted on the plus strand (AG on the coding strand, the reverse complement: HNF1B is on the minus strand); deleting any 2 consecutive bases within chr17:37,733,728-37,733,731 gives the same sequence; the c. name uses the placement nearest the transcript's 3' end. VCF-style (leftmost placement, unchanged base first): chr17-37733727-GCT-G. GRCh37 (hg19) VCF-style: chr17-36093720-GCT-G.
Other names: c.559_560del, p.Ser187fs (NM_001165923.4, NM_001304286.2); c.637_638del, p.Ser213fs (NM_001411100.1); short protein forms S187fs, S213fs.
Identifiers: ClinVar variation 4999426 (VCV004999426.1).